The following is an entry in ClinVar:

ClinVar aggregate classification (germline): Likely benign (1 of 4 stars; one submission).

Submission:

CeGaT Center for Human Genetics Tuebingen
Classification: Likely benign. Last evaluated: 2024-09-01. Review status: criteria provided, single submitter. Criteria: CeGaT Center For Human Genetics Tuebingen Variant Classification Criteria Version 2. Collection method: clinical testing. Allele origin: germline. Affected: yes. Observed: 1 variant allele.
Comment: PKD1L3: BS2

NM_181536.2(PKD1L3):c.2559_2560del (p.Cys853_Glu854delinsTer)

Gene: PKD1L3 (polycystin 1 like 3, transient receptor potential channel interacting; minus strand). Cytogenetic location: 16q22.2.
Variant type: Microsatellite.
Coding change: c.2559_2560del on transcript NM_181536.2 (MANE Select); coding-DNA positions 2559 to 2560, 2 bases deleted (TG; older notation c.2559_2560delTG).
Protein change: p.Cys853_Glu854delinsTer.
Molecular consequence: nonsense.
Genome position (GRCh38, 1-based): chr16:71,963,257-71,963,258, CA deleted on the plus strand (TG on the coding strand, the reverse complement: PKD1L3 is on the minus strand); deleting any 2 consecutive bases within chr16:71,963,257-71,963,260 gives the same sequence; the c. name uses the placement nearest the transcript's 3' end. VCF-style (leftmost placement, unchanged base first): chr16-71963256-TCA-T. GRCh37 (hg19) VCF-style: chr16-71997155-TCA-T.
Identifiers: ClinVar variation 3387827 (VCV003387827.14).
Genomic context (GRCh38, chr16:71,963,256, plus strand): 5'-CAACAGTACCTAAAGGAAAAGAGCTCTCTCTTTGAAACTGGGATGAAGACCCGGTCAAGC[TCA>T]CAGTCTCCGAGGTCCACAGCCAGCCAGCAATTGCACAGGAAATGCCACTTCCTCTTAACT-3'